The following is an entry in ClinVar:

NM_000062.3(SERPING1):c.1479dup (p.Arg494fs)

Gene: SERPING1 (serpin family G member 1; plus strand). Cytogenetic location: 11q12.1.
Variant type: Duplication.
Coding change: c.1479dup on transcript NM_000062.3 (MANE Select); coding-DNA position 1479, one base duplicated (G; older notation c.1479dupG).
Protein change: p.Arg494fs; shifts the reading frame from arginine 494.
Molecular consequence: frameshift variant.
Genome position (GRCh38, 1-based): chr11:57,614,557, G duplicated; the last of 4 consecutive G bases (chr11:57,614,554-57,614,557); duplicating any one gives the same sequence. VCF-style (leftmost placement, unchanged base first): chr11-57614553-T-TG. GRCh37 (hg19) VCF-style: chr11-57382026-T-TG.
Other names: c.1479dup, p.Arg494fs (NM_001032295.2); short protein forms R494fs.
Identifiers: ClinVar variation 3338293 (VCV003338293.2).

ClinVar aggregate classification (germline): Likely pathogenic (1 of 4 stars; one submission).

Conditions:
Hereditary angioedema type 1 (HAE1). Identifiers: Orphanet 100050, Orphanet 100051, Orphanet 91378, MedGen C2717906, MONDO:0015053, OMIM 106100.

Submission:

DNA-diagnostics Laboratory, Research Centre For Medical Genetics
Classification: Likely pathogenic for Hereditary angioedema type 1. Last evaluated: 2024-08-02. Review status: criteria provided, single submitter. Criteria: ACMG Guidelines, 2015. Collection method: research. Allele origin: germline. Inheritance: Autosomal dominant inheritance. Affected: yes. Observed: 1 heterozygote.
Comment: The pathogenic or likely pathogenic SERPING1 gene variants are detected in >90% of the HAE1/2 families and in >80% of the total HAE families (e.g., DOI: 10.1016/j.molimm.2008.05.007, 10.1159/2F000138883, 10.1016/j.molimm.2011.07.010). Across all SERPING1 gene exons, about 50% of the pathogenic or likely pathogenic variants associated with HAE are LoF (173/297 in ClinVar or 292/596 in HGMD 2022.1). This SERPING1 variant is localized in the last exon 8 gene assembling biologically-relevant transcripts, and it is predicted to result in a frameshift and not undergo NMD. According to our observation the c.1479dup variant in SERPING1 meets ACMG/ClinGen SVI guidance criteria to be classified as likely pathogenic: PP4_Str, PVS1_Mod, PM2_Sup